The following is an entry in ClinVar:

ClinVar aggregate classification (germline): Pathogenic/Likely pathogenic. Review status: criteria provided, multiple submitters, no conflicts (2 of 4 stars). 3 submissions from 3 submitters: Pathogenic (1); Likely pathogenic (2). Last evaluated 2025-07-21.

Conditions:
ACTB-related BAFopathy.
ACTB-related disorder. Also called: ACTB-related disorders; ACTB-related condition.

Submissions (3):

3billion
Classification: Pathogenic for ACTB-related disorder. Last evaluated: 2025-07-21. Review status: criteria provided, single submitter. Criteria: ACMG Guidelines, 2015. Collection method: clinical testing. Allele origin: germline. Affected: yes.
Comment: The variant is not observed in the gnomAD v4.1.0 dataset. Predicted Consequence/Location: Missense variant. Missense changes are a common disease-causing mechanism. In silico tool predictions suggest damaging effect of the variant on gene or gene product [3Cnet: 0.99 (> 0.75, sensitivity 0.96 and precision 0.92)]. The same nucleotide change resulting in the same amino acid change has been previously reported as pathogenic/likely pathogenic with strong evidence (ClinVar ID: VCV001177325 /PMID: 34906496 /3billion dataset). Therefore, this variant is classified as Pathogenic according to the recommendation of ACMG/AMP guideline.

Blueprint Genetics
Classification: Likely pathogenic for ACTB-related disorders. Last evaluated: 2024-09-12. Review status: criteria provided, single submitter. Criteria: ACMG Guidelines, 2015. Collection method: clinical testing. Allele origin: germline. Affected: yes. Observed: 1 variant allele.

Baylor Genetics
Classification: Likely pathogenic for ACTB-related BAFopathy. Last evaluated: 2021-06-10. Review status: criteria provided, single submitter. Criteria: ACMG Guidelines, 2015. Collection method: clinical testing. Allele origin: de novo. Affected: yes.

Literature cited by the submitters: PubMed 34906496 (cited by 3billion).

NM_001101.5(ACTB):c.118C>T (p.His40Tyr)

Gene: ACTB (actin beta; minus strand). Cytogenetic location: 7p22.1.
Variant type: single nucleotide variant.
Coding change: c.118C>T on transcript NM_001101.5 (MANE Select); coding-DNA position 118, C replaced by T.
Protein change: p.His40Tyr; replaces histidine 40 with tyrosine.
Molecular consequence: missense variant.
Genome position (GRCh38, 1-based): chr7:5,529,540, G>A on the plus strand (C>T on the coding strand, the complement: ACTB is on the minus strand). VCF-style: chr7-5529540-G-A. GRCh37 (hg19) VCF-style: chr7-5569171-G-A.
Other names: short protein forms H40Y.
Identifiers: ClinVar variation 1177325 (VCV001177325.4), dbSNP rs1373863123, ClinGen allele CA366706562.